The following is an entry in ClinVar:

NM_198282.4(STING1):c.928C>T (p.Arg310Cys)

Gene: STING1 (stimulator of interferon response cGAMP interactor 1; minus strand). Cytogenetic location: 5q31.2.
Variant type: single nucleotide variant.
Coding change: c.928C>T on transcript NM_198282.4 (MANE Select); coding-DNA position 928, C replaced by T.
Protein change: p.Arg310Cys; replaces arginine 310 with cysteine.
Molecular consequence: missense variant. On other transcripts: intron variant (1).
Genome position (GRCh38, 1-based): chr5:139,477,347, G>A on the plus strand (C>T on the coding strand, the complement: STING1 is on the minus strand). VCF-style: chr5-139477347-G-A. GRCh37 (hg19) VCF-style: chr5-138856932-G-A.
Other names: c.571C>T, p.Arg191Cys (NM_001367258.1); c.760-893C>T (NM_001301738.2); short protein forms R191C, R310C.
Identifiers: ClinVar variation 1694190 (VCV001694190.6), dbSNP rs763335050, ClinGen allele CA3435290.

ClinVar aggregate classification (germline): Uncertain significance. Review status: criteria provided, multiple submitters, no conflicts (2 of 4 stars). 3 submissions from 3 submitters: Uncertain significance (3). Last evaluated 2025-12-01.

Conditions:
Inborn genetic diseases. Identifiers: MedGen C0950123, MeSH D030342.
Autoinflammatory syndrome. Identifiers: Orphanet 93665, MedGen C3890737, MONDO:0019751.
STING-associated vasculopathy with onset in infancy. Also called: Sting-associated vasculopathy, infantile-onset. Identifiers: Orphanet 425120, MedGen C4014722, MONDO:0014405, OMIM 615934.

Allele frequency attached by ClinVar (database versions not stated): gnomAD 0.00002; gnomAD exomes 0.00003 and 0.00002; TOPMed 0.00002; ExAC 0.00003.
gnomAD v4.1: 29 of 1,613,848 alleles (0.0018%); highest among the groups gnomAD compares: South Asian, 0.0088%; 1 homozygote.

Submissions (3):

Labcorp Genetics (formerly Invitae), Labcorp
Classification: Uncertain significance for STING-associated vasculopathy with onset in infancy. Last evaluated: 2025-12-01. Review status: criteria provided, single submitter. Criteria: Invitae Variant Classification Sherloc (09022015). Collection method: clinical testing. Allele origin: germline.
Comment: This sequence change replaces arginine, which is basic and polar, with cysteine, which is neutral and slightly polar, at codon 310 of the TMEM173 protein (p.Arg310Cys). This variant is present in population databases (rs763335050, gnomAD 0.01%), including at least one homozygous and/or hemizygous individual. This variant has not been reported in the literature in individuals affected with TMEM173-related conditions. ClinVar contains an entry for this variant (Variation ID: 1694190). An algorithm developed to predict the effect of missense changes on protein structure and function outputs the following: PolyPhen-2: "Benign". The cysteine amino acid residue is found in multiple mammalian species, which suggests that this missense change does not adversely affect protein function. In summary, the available evidence is currently insufficient to determine the role of this variant in disease. Therefore, it has been classified as a Variant of Uncertain Significance.

Ambry Genetics
Classification: Uncertain significance for Inborn genetic diseases. Last evaluated: 2021-08-09. Review status: criteria provided, single submitter. Criteria: Ambry Variant Classification Scheme 2023. Collection method: clinical testing. Allele origin: germline.

Genome Diagnostics Laboratory, The Hospital for Sick Children
Classification: Uncertain significance for Autoinflammatory syndrome. Last evaluated: 2016-12-12. Review status: criteria provided, single submitter. Criteria: ACMG Guidelines, 2015. Collection method: clinical testing. Allele origin: germline. Affected: yes.